The following is an entry in ClinVar:

ClinVar aggregate classification (germline): Uncertain significance. Review status: criteria provided, multiple submitters, no conflicts (2 of 4 stars). 2 submissions from 2 submitters: Uncertain significance (2). Last evaluated 2025-10-23.

Conditions:
Combined immunodeficiency due to CTPS1 deficiency. Also called: Immunodeficiency 24; Severe combined immunodeficiency due to CTPS1 deficiency. Identifiers: Orphanet 420573, MedGen C4014617, MONDO:0014391, OMIM 615897.

Allele frequency attached by ClinVar (database versions not stated): TOPMed below 0.00001; ExAC 0.00001; gnomAD 0.00001; ESP Exome Variant Server 0.00008.

Submissions (2):

Labcorp Genetics (formerly Invitae), Labcorp
Classification: Uncertain significance for Combined immunodeficiency due to CTPS1 deficiency. Last evaluated: 2025-10-23. Review status: criteria provided, single submitter. Criteria: Invitae Variant Classification Sherloc (09022015). Collection method: clinical testing. Allele origin: germline.
Comment: This sequence change replaces valine, which is neutral and non-polar, with alanine, which is neutral and non-polar, at codon 487 of the CTPS1 protein (p.Val487Ala). This variant is present in population databases (rs374491345, gnomAD 0.002%). This variant has not been reported in the literature in individuals affected with CTPS1-related conditions. ClinVar contains an entry for this variant (Variation ID: 3078705). An algorithm developed to predict the effect of missense changes on protein structure and function (PolyPhen-2) suggests that this variant is likely to be tolerated. In summary, the available evidence is currently insufficient to determine the role of this variant in disease. Therefore, it has been classified as a Variant of Uncertain Significance.

Ambry Genetics
Classification: Uncertain significance. Last evaluated: 2024-02-28. Review status: criteria provided, single submitter. Criteria: Ambry Variant Classification Scheme 2023. Collection method: clinical testing. Allele origin: germline.

NM_001905.4(CTPS1):c.1460T>C (p.Val487Ala)

Gene: CTPS1 (CTP synthase 1; plus strand). Cytogenetic location: 1p34.2.
Variant type: single nucleotide variant.
Coding change: c.1460T>C on transcript NM_001905.4 (MANE Select); coding-DNA position 1460, T replaced by C.
Protein change: p.Val487Ala; replaces valine 487 with alanine.
Molecular consequence: missense variant. On other transcripts: non-coding transcript variant (1).
Genome position (GRCh38, 1-based): chr1:41,008,804, T>C. VCF-style: chr1-41008804-T-C. GRCh37 (hg19) VCF-style: chr1-41474476-T-C.
Other names: c.992T>C, p.Val331Ala (NM_001301237.2); short protein forms V487A, V331A.
Identifiers: ClinVar variation 3078705 (VCV003078705.2), dbSNP rs374491345, ClinGen allele CA795558.